The following is an entry in ClinVar:

NM_014336.5(AIPL1):c.985C>T (p.Gln329Ter)

Gene: AIPL1 (AIP like 1 HSP90 co-chaperone; minus strand). Cytogenetic location: 17p13.2.
Variant type: single nucleotide variant.
Coding change: c.985C>T on transcript NM_014336.5 (MANE Select); coding-DNA position 985, C replaced by T.
Protein change: p.Gln329Ter; replaces glutamine 329 with a stop codon.
Molecular consequence: nonsense. On other transcripts: 3 prime UTR variant (1).
Genome position (GRCh38, 1-based): chr17:6,425,630, G>A on the plus strand (C>T on the coding strand, the complement: AIPL1 is on the minus strand). VCF-style: chr17-6425630-G-A. GRCh37 (hg19) VCF-style: chr17-6328950-G-A.
Other names: c.796C>T, p.Gln266Ter (NM_001033054.3); c.805C>T, p.Gln269Ter (NM_001033055.3); c.949C>T, p.Gln317Ter (NM_001285399.3); c.919C>T, p.Gln307Ter (NM_001285400.3); c.913C>T, p.Gln305Ter (NM_001285401.3); c.868C>T, p.Gln290Ter (NM_001285402.2); c.*956C>T (NM_001285403.4); short protein forms Q329*, Q290*, Q269*, Q305*, Q317*, Q266*, Q307*.
Identifiers: ClinVar variation 631781 (VCV000631781.5), dbSNP rs1208703297, ClinGen allele CA397394485.

ClinVar aggregate classification (germline): Likely pathogenic (1 of 4 stars; one submission).

Conditions:
Leber congenital amaurosis (LCA). Also called: Leber's amaurosis. Identifiers: Orphanet 65, MedGen C0339527, MeSH D057130, MONDO:0018998.

Allele frequency attached by ClinVar (database versions not stated): gnomAD exomes below 0.00001; TOPMed below 0.00001; gnomAD 0.00001.
gnomAD v4.1: 7 of 1,612,746 alleles (0.00043%); highest among the groups gnomAD compares: Non-Finnish European, 0.00059%; no homozygotes.

Submission:

Women's Health and Genetics/Laboratory Corporation of America, LabCorp
Classification: Likely pathogenic for Leber congenital amaurosis. Last evaluated: 2022-12-15. Review status: criteria provided, single submitter. Criteria: LabCorp Variant Classification Summary - May 2015. Collection method: clinical testing. Allele origin: germline.
Comment: Variant summary: AIPL1 c.985C>T (p.Gln329X) results in a premature termination codon within the last exon (exon 6), and causes a truncation of the encoded protein (van der Spuy_2004) - which is a commonly known mechanism for disease - eliminating the last 56 amino acids. Other truncations within the last exon of AIPL1 are classified as pathogenic and disease-associated in ClinVar and HGMD. The variant allele was found at a frequency of 4e-06 in 249632 control chromosomes (gnomAD). To our knowledge, no occurrence of c.985C>T in individuals affected with Leber Congenital Amaurosis has been reported. Experimental evidence suggests that AIPL1 is an important modulator of NUB1 cellular function, and the C-terminal region of AIPL1 is required for this effect. p.Gln329X removed the primate-specific polyproline-rich region in AIPL1 and was found to be defective with respect to modulating the subcellular distribution of GFP-NUB1 and suppressing GFP-NUB1-N and GFP-NUB1-C inclusion formation (van der Spuy_2004, Hidalgo-de-Quintana_2008). A ClinVar submitter (evaluation after 2014) cites the variant as uncertain significance. Based on the evidence outlined above, the variant was classified as likely pathogenic.

Literature cited by the submitters: PubMed 18408180; PubMed 15347646.